The following is an entry in ClinVar:

ClinVar aggregate classification (germline): Uncertain significance. Review status: criteria provided, multiple submitters, no conflicts (2 of 4 stars). 2 submissions from 2 submitters: Uncertain significance (2). Last evaluated 2024-11-15.

Conditions:
Colorectal cancer, hereditary nonpolyposis, type 7. Identifiers: Orphanet 144, MedGen C1858380, MONDO:0013725, OMIM 614385.

Allele frequency attached by ClinVar (database versions not stated): gnomAD exomes below 0.00001; TOPMed below 0.00001.

Submissions (2):

Ambry Genetics
Classification: Uncertain significance. Last evaluated: 2024-11-15. Review status: criteria provided, single submitter. Criteria: Ambry Variant Classification Scheme 2023. Collection method: clinical testing. Allele origin: germline.
Comment: The p.A1151P variant (also known as c.3451G>C), located in coding exon 3 of the MLH3 gene, results from a G to C substitution at nucleotide position 3451. The alanine at codon 1151 is replaced by proline, an amino acid with highly similar properties. This amino acid position is conserved. In addition, the in silico prediction for this alteration is inconclusive. Since supporting evidence is limited at this time, the clinical significance of this alteration remains unclear.

Labcorp Genetics (formerly Invitae), Labcorp
Classification: Uncertain significance for Colorectal cancer, hereditary nonpolyposis, type 7. Last evaluated: 2021-07-28. Review status: criteria provided, single submitter. Criteria: Invitae Variant Classification Sherloc (09022015). Collection method: clinical testing. Allele origin: germline.
Comment: In summary, the available evidence is currently insufficient to determine the role of this variant in disease. Therefore, it has been classified as a Variant of Uncertain Significance. This sequence change replaces alanine with proline at codon 1151 of the MLH3 protein (p.Ala1151Pro). The alanine residue is moderately conserved and there is a small physicochemical difference between alanine and proline. This variant is not present in population databases (ExAC no frequency). This variant has not been reported in the literature in individuals affected with MLH3-related conditions. Algorithms developed to predict the effect of missense changes on protein structure and function (SIFT, PolyPhen-2, Align-GVGD) all suggest that this variant is likely to be tolerated.

NM_001040108.2(MLH3):c.3451G>C (p.Ala1151Pro)

Gene: MLH3 (mutL homolog 3; minus strand). Cytogenetic location: 14q24.3.
Variant type: single nucleotide variant.
Coding change: c.3451G>C on transcript NM_001040108.2 (MANE Select); coding-DNA position 3451, G replaced by C.
Protein change: p.Ala1151Pro; replaces alanine 1151 with proline.
Molecular consequence: missense variant.
Genome position (GRCh38, 1-based): chr14:75,041,629, C>G on the plus strand (G>C on the coding strand, the complement: MLH3 is on the minus strand). VCF-style: chr14-75041629-C-G. GRCh37 (hg19) VCF-style: chr14-75508332-C-G.
Other names: c.3451G>C, p.Ala1151Pro (NM_014381.3); short protein forms A1151P.
Identifiers: ClinVar variation 1446775 (VCV001446775.9), dbSNP rs1891862567, ClinGen allele CA390430489.
Genomic context (GRCh38, chr14:75,041,629, plus strand): 5'-AAGAAGAAGAAAAAAAAAAGGCAAAGAAAAACTGCTACAGACCCACCTCTGGATAACGGG[C>G]AAATACTGGATTGTCCCATTCTGAGAACAAAGACTGAAGCGATTCGCTACTAACAGTATC-3'
Protein context (NP_001035197.1, residues 1141-1161): LFSEWDNPVF[Ala1151Pro]RYPEVAVDVS